The following is an entry in ClinVar:

ClinVar aggregate classification (germline): Conflicting classifications of pathogenicity. Review status: criteria provided, conflicting classifications (1 of 4 stars). 2 submissions from 2 submitters: Uncertain significance (1); Likely benign (1). Last evaluated 2021-09-16.

Conditions:
DICER1-related tumor predisposition. Also called: DICER1 syndrome; DICER1-related pleuropulmonary blastoma cancer predisposition syndrome. Identifiers: Orphanet 284343, MedGen C3839822, MONDO:0100216.
Hereditary cancer-predisposing syndrome. Also called: Neoplastic Syndromes, Hereditary; Hereditary Cancer Syndrome; Hereditary neoplastic syndrome; Tumor predisposition. Identifiers: Orphanet 140162, MedGen C0027672, MeSH D009386, MONDO:0015356.

Submissions (2):

Ambry Genetics
Classification: Uncertain significance for Hereditary cancer-predisposing syndrome. Last evaluated: 2021-09-16. Review status: criteria provided, single submitter. Criteria: Ambry Variant Classification Scheme 2023. Collection method: clinical testing. Allele origin: germline.
Comment: The c.2437-4T>G intronic variant results from a T to G substitution 4 nucleotides upstream from coding exon 15 in the DICER1 gene. This nucleotide position is poorly conserved in available vertebrate species. In silico splice site analysis predicts that this alteration will not have any significant effect on splicing. Since supporting evidence is limited at this time, the clinical significance of this alteration remains unclear.

Labcorp Genetics (formerly Invitae), Labcorp
Classification: Likely benign for DICER1-related tumor predisposition. Last evaluated: 2021-04-24. Review status: criteria provided, single submitter. Criteria: Invitae Variant Classification Sherloc (09022015). Collection method: clinical testing. Allele origin: germline.

NM_177438.3(DICER1):c.2437-4T>G

Gene: DICER1 (dicer 1, ribonuclease III; minus strand). Cytogenetic location: 14q32.13.
Variant type: single nucleotide variant.
Coding change: c.2437-4T>G on transcript NM_177438.3 (MANE Select); 4 bases into the intron before coding-DNA position 2437, T replaced by G.
Molecular consequence: intron variant.
Genome position (GRCh38, 1-based): chr14:95,108,097, A>C on the plus strand (T>G on the coding strand, the complement: DICER1 is on the minus strand). VCF-style: chr14-95108097-A-C. GRCh37 (hg19) VCF-style: chr14-95574434-A-C.
Other names: c.2437-4T>G (NM_001291628.2, NM_030621.4, NM_001271282.3 and 1 more transcripts).
Identifiers: ClinVar variation 1114239 (VCV001114239.12), dbSNP rs1060503632, ClinGen allele CA2499222809.